The following continues an entry in ClinVar:

NM_000540.3(RYR1):c.9758T>C (p.Ile3253Thr)

Gene: RYR1. ClinVar aggregate classification (germline): Uncertain significance. Uncertain significance (2).

Submissions 9 to 16 of 16:

Mendelics
Classification: Benign for Malignant hyperthermia, susceptibility to, 1. Last evaluated: 2019-05-28. Review status: criteria provided, single submitter. Criteria: Mendelics Assertion Criteria 2017. Collection method: clinical testing. Allele origin: unknown. Not counted in ClinVar's aggregate classification.

Illumina Laboratory Services, Illumina
Classification: Uncertain significance for Central core myopathy. Last evaluated: 2017-04-27. Review status: criteria provided, single submitter. Criteria: ICSL Variant Classification Criteria 13 December 2019. Collection method: clinical testing. Allele origin: germline. Not counted in ClinVar's aggregate classification.

Illumina Laboratory Services, Illumina
Classification: Uncertain significance for Congenital multicore myopathy with external ophthalmoplegia. Last evaluated: 2017-04-27. Review status: criteria provided, single submitter. Criteria: ICSL Variant Classification Criteria 13 December 2019. Collection method: clinical testing. Allele origin: germline. Not counted in ClinVar's aggregate classification.

Illumina Laboratory Services, Illumina
Classification: Uncertain significance for Malignant hyperthermia, susceptibility to, 1. Last evaluated: 2017-04-27. Review status: criteria provided, single submitter. Criteria: ICSL Variant Classification Criteria 13 December 2019. Collection method: clinical testing. Allele origin: germline. Not counted in ClinVar's aggregate classification.
Comment: This variant was observed as part of a predisposition screen in an ostensibly healthy population. A literature search was performed for the gene, cDNA change, and amino acid change (where applicable). Publications were found based on this search. However, the evidence from the literature, in combination with allele frequency data from public databases where available, was not sufficient to rule this variant in or out of causing disease. Therefore, this variant is classified as a variant of unknown significance.

PreventionGenetics, part of Exact Sciences
Classification: Uncertain significance. Last evaluated: 2017-02-15. Review status: criteria provided, single submitter. Criteria: ACMG Guidelines, 2015. Collection method: clinical testing. Allele origin: germline. Not counted in ClinVar's aggregate classification.

Genetic Services Laboratory, University of Chicago
Classification: Benign. Last evaluated: 2013-02-08. Review status: criteria provided, single submitter. Criteria: ACMG Guidelines, 2007. Collection method: clinical testing. Allele origin: germline. Inheritance: Autosomal unknown. Not counted in ClinVar's aggregate classification.

Neuberg Centre For Genomic Medicine, NCGM
Classification: Uncertain significance for Central core myopathy. Review status: criteria provided, single submitter. Criteria: ACMG Guidelines, 2015. Collection method: clinical testing. Allele origin: germline. Inheritance: Autosomal recessive inheritance. Affected: yes. Not counted in ClinVar's aggregate classification.
Comment: The missense variant c.9758T>C (p.Ile3253Thr) in RYR1 has been submitted to ClinVar as a Variant of Uncertain Significance (VUS), but no details are available for independent assessment. It has not been reported in affected individuals. This p.Ile3253Thr variant has allele frequency 0.0036% in the gnomad and novel (not in any individuals) in 1000 genome database. The amino acid Ile at position 3253 is changed to a Thr changing protein sequence and it might alter its composition and physico-chemical properties. The amino acid change p.Ile3253Thr in RYR1 is predicted as conserved by GERP++ and PhyloP across 100 vertebrates. For these reasons, this variant has been classified as Uncertain Significance (VUS).

CSER _CC_NCGL, University of Washington
Classification: Uncertain significance for Myopathy, congenital. Last evaluated: 2014-06-01. Review status: no assertion criteria provided. Collection method: research. Allele origin: germline. Inheritance: Autosomal dominant inheritance. Study: ESP 6500 variant annotation. Not counted in ClinVar's aggregate classification.
Comment: Variants classified for the Actionable exomic incidental findings in 6503 participants: challenges of variant classification manuscript

Literature cited by the submitters: PubMed 23035052 (cited by 3 submitters); PubMed 26994242 (cited by Labcorp Genetics (formerly Invitae), Labcorp and All of Us Research Program, National Institutes of Health); PubMed 32054689 (cited by Labcorp Genetics (formerly Invitae), Labcorp); PubMed 33458582 (cited by Labcorp Genetics (formerly Invitae), Labcorp); PubMed 23826317 (cited by Labcorp Genetics (formerly Invitae), Labcorp); PubMed 25658027 (cited by All of Us Research Program, National Institutes of Health).